The following is an entry in ClinVar:

ClinVar aggregate classification (germline): Uncertain significance (1 of 4 stars; one submission).

Conditions:
Arrhythmogenic right ventricular dysplasia 9 (ARVD9). Also called: Arrhythmogenic Right Ventricular Dysplasia/Cardiomyopathy 9; ARRHYTHMOGENIC RIGHT VENTRICULAR DYSPLASIA, FAMILIAL, 9. Identifiers: MedGen C1836906, MONDO:0012180, OMIM 609040.

Submission:

Labcorp Genetics (formerly Invitae), Labcorp
Classification: Uncertain significance for Arrhythmogenic right ventricular dysplasia 9. Last evaluated: 2021-12-03. Review status: criteria provided, single submitter. Criteria: Invitae Variant Classification Sherloc (09022015). Collection method: clinical testing. Allele origin: germline.
Comment: Variants that disrupt the consensus splice site are a relatively common cause of aberrant splicing (PMID: 17576681, 9536098). Algorithms developed to predict the effect of sequence changes on RNA splicing suggest that this variant may disrupt the consensus splice site. In summary, the available evidence is currently insufficient to determine the role of this variant in disease. Therefore, it has been classified as a Variant of Uncertain Significance. ClinVar contains an entry for this variant (Variation ID: 659788). This sequence change falls in intron 10 of the PKP2 gene. It does not directly change the encoded amino acid sequence of the PKP2 protein. It affects a nucleotide within the consensus splice site. This variant is not present in population databases (gnomAD no frequency). This variant has not been reported in the literature in individuals affected with PKP2-related conditions.

Literature cited by the submitters: PubMed 17576681; PubMed 9536098.

NM_001005242.3(PKP2):c.2013+6T>A

Gene: PKP2 (plakophilin 2; minus strand). Cytogenetic location: 12p11.21.
Variant type: single nucleotide variant.
Coding change: c.2013+6T>A on transcript NM_001005242.3 (MANE Select); 6 bases into the intron after coding-DNA position 2013, T replaced by A.
Molecular consequence: intron variant.
Genome position (GRCh38, 1-based): chr12:32,821,350, A>T on the plus strand (T>A on the coding strand, the complement: PKP2 is on the minus strand). VCF-style: chr12-32821350-A-T. GRCh37 (hg19) VCF-style: chr12-32974284-A-T.
Other names: c.2145+6T>A (NM_004572.4).
Identifiers: ClinVar variation 659788 (VCV000659788.8), dbSNP rs1592737126, ClinGen allele CA915948390.